The following is an entry in ClinVar:

NM_006648.4(WNK2):c.5183C>G (p.Ser1728Cys)

Gene: WNK2 (WNK lysine deficient protein kinase 2; plus strand). Cytogenetic location: 9q22.31.
Variant type: single nucleotide variant.
Coding change: c.5183C>G on transcript NM_006648.4 (MANE Select); coding-DNA position 5183, C replaced by G.
Protein change: p.Ser1728Cys; replaces serine 1728 with cysteine.
Molecular consequence: missense variant.
Genome position (GRCh38, 1-based): chr9:93,292,648, C>G. VCF-style: chr9-93292648-C-G. GRCh37 (hg19) VCF-style: chr9-96054930-C-G.
Other names: c.5294C>G, p.Ser1765Cys (NM_001282394.3); short protein forms S1728C, S1765C.
Identifiers: ClinVar variation 3981701 (VCV003981701.1).

ClinVar aggregate classification (germline): Uncertain significance (1 of 4 stars; one submission).

Submission:

Ambry Genetics
Classification: Uncertain significance. Last evaluated: 2025-03-22. Review status: criteria provided, single submitter. Criteria: Ambry Variant Classification Scheme 2023. Collection method: clinical testing. Allele origin: germline.
Comment: The p.S1728C variant (also known as c.5183C>G), located in coding exon 22 of the WNK2 gene, results from a C to G substitution at nucleotide position 5183. The serine at codon 1728 is replaced by cysteine, an amino acid with dissimilar properties. This amino acid position is conserved. In addition, the in silico prediction for this alteration is inconclusive. Based on the available evidence, the clinical significance of this variant remains unclear.